The following is an entry in ClinVar:

ClinVar aggregate classification (germline): Uncertain significance (1 of 4 stars; one submission).

Conditions:
Oto-palato-digital syndrome, type II (OPD2). Also called: FACIOPALATOOSSEOUS SYNDROME; OPD II SYNDROME; Otopalatodigital Syndrome, Type II; Otopalatodigital Syndrome Type 2 (FLNA-OPD2). Identifiers: Orphanet 669, Orphanet 90652, MedGen C1844696, MONDO:0010571, OMIM 304120.
Heterotopia, periventricular, X-linked dominant (PVNH1). Also called: PERIVENTRICULAR NODULAR HETEROTOPIA 1; X-linked periventricular heterotopia; PERIVENTRICULAR NODULAR HETEROTOPIA 4; HETEROTOPIA, PERIVENTRICULAR, 1. Identifiers: Orphanet 2149, Orphanet 82004, MedGen C1848213, MONDO:0010233, OMIM 300049.
Frontometaphyseal dysplasia (FMD1). Identifiers: Orphanet 1826, MedGen C0265293, MONDO:0015942.
Melnick-Needles syndrome (MNS). Also called: MELNICK-NEEDLES OSTEODYSPLASTY; OSTEODYSPLASTY OF MELNICK AND NEEDLES; Melnick-Needles Syndrome (FLNA-MNS). Identifiers: Orphanet 2484, MedGen C0025237, MONDO:0010650, OMIM 309350.

Submission:

Labcorp Genetics (formerly Invitae), Labcorp
Classification: Uncertain significance for Oto-palato-digital syndrome, type II; Heterotopia, periventricular, X-linked dominant; Frontometaphyseal dysplasia; Melnick-Needles syndrome. Last evaluated: 2022-12-14. Review status: criteria provided, single submitter. Criteria: Invitae Variant Classification Sherloc (09022015). Collection method: clinical testing. Allele origin: germline.
Comment: Advanced modeling of protein sequence and biophysical properties (such as structural, functional, and spatial information, amino acid conservation, physicochemical variation, residue mobility, and thermodynamic stability) performed at Invitae indicates that this missense variant is not expected to disrupt FLNA protein function. In summary, the available evidence is currently insufficient to determine the role of this variant in disease. Therefore, it has been classified as a Variant of Uncertain Significance. This variant has not been reported in the literature in individuals affected with FLNA-related conditions. This variant is not present in population databases (gnomAD no frequency). This sequence change replaces cysteine, which is neutral and slightly polar, with tyrosine, which is neutral and polar, at codon 649 of the FLNA protein (p.Cys649Tyr).

NM_001110556.2(FLNA):c.1946G>A (p.Cys649Tyr)

Gene: FLNA (filamin A; minus strand). Cytogenetic location: Xq28.
Variant type: single nucleotide variant.
Coding change: c.1946G>A on transcript NM_001110556.2 (MANE Select); coding-DNA position 1946, G replaced by A.
Protein change: p.Cys649Tyr; replaces cysteine 649 with tyrosine.
Molecular consequence: missense variant.
Genome position (GRCh38, 1-based): chrX:154,364,602, C>T on the plus strand (G>A on the coding strand, the complement: FLNA is on the minus strand). VCF-style: chrX-154364602-C-T. GRCh37 (hg19) VCF-style: chrX-153592970-C-T.
Other names: c.1946G>A, p.Cys649Tyr (NM_001456.4); short protein forms C649Y.
Identifiers: ClinVar variation 2940173 (VCV002940173.3), dbSNP rs2522754708, ClinGen allele CA415241500.
Genomic context (GRCh38, chrX:154,364,602, plus strand): 5'-TCCTGGGGCGCGTCACGGATGTCAGCCATGAAGGGGCTGAGGCGGATGTCTTCGCTGTTG[C>T]ACAGCACGTGAACGGCATACTCGCCAGCCTCCTGCGGCCAGTAGCGCACATCACAGGAGC-3'
Protein context (NP_001104026.1, residues 639-659): EAGEYAVHVL[Cys649Tyr]NSEDIRLSPF